The following is an entry in ClinVar:

NM_001378454.1(ALMS1):c.6143A>C (p.Tyr2048Ser)

Gene: ALMS1 (ALMS1 centrosome and basal body associated protein; plus strand). Cytogenetic location: 2p13.1.
Variant type: single nucleotide variant.
Coding change: c.6143A>C on transcript NM_001378454.1 (MANE Select); coding-DNA position 6143, A replaced by C.
Protein change: p.Tyr2048Ser; replaces tyrosine 2048 with serine.
Molecular consequence: missense variant.
Genome position (GRCh38, 1-based): chr2:73,452,670, A>C. VCF-style: chr2-73452670-A-C. GRCh37 (hg19) VCF-style: chr2-73679797-A-C.
Other names: c.6146A>C, p.Tyr2049Ser (NM_015120.4); short protein forms Y2049S, Y2048S.
Identifiers: ClinVar variation 1412963 (VCV001412963.6), dbSNP rs201162418, ClinGen allele CA1714013.
Genomic context (GRCh38, chr2:73,452,670, plus strand): 5'-CAACTGTGATTGGACCAAATGACCAGAAGACTCCATCCCAGACAGCTTTTCATAGTTCCT[A>C]TTCTCAAACAGTAAAGCCCAATATTTTATTTCAACAGCAGTTGCCAGATAGAGATCAAAG-3'
Protein context (NP_001365383.1, residues 2038-2058): TPSQTAFHSS[Tyr2048Ser]SQTVKPNILF

ClinVar aggregate classification (germline): Uncertain significance. Review status: criteria provided, multiple submitters, no conflicts (2 of 4 stars). 2 submissions from 2 submitters: Uncertain significance (2). Last evaluated 2025-03-11.

Conditions:
Alstrom syndrome (ALMS). Identifiers: Orphanet 64, MedGen C0268425, MONDO:0008763, OMIM 203800.
Cardiovascular phenotype. Identifiers: MedGen CN230736.

gnomAD v4.1: 5 of 1,613,958 alleles (0.00031%); highest among the groups gnomAD compares: African/African-American, 0.0013%; no homozygotes.

Submissions (2):

Ambry Genetics
Classification: Uncertain significance for Cardiovascular phenotype. Last evaluated: 2025-03-11. Review status: criteria provided, single submitter. Criteria: Ambry Variant Classification Scheme 2023. Collection method: clinical testing. Allele origin: germline.
Comment: The p.Y2049S variant (also known as c.6146A>C), located in coding exon 8 of the ALMS1 gene, results from an A to C substitution at nucleotide position 6146. The tyrosine at codon 2049 is replaced by serine, an amino acid with dissimilar properties. This amino acid position is well conserved in available vertebrate species. In addition, this alteration is predicted to be tolerated by in silico analysis. Based on the available evidence, the clinical significance of this variant remains unclear.

Labcorp Genetics (formerly Invitae), Labcorp
Classification: Uncertain significance for Alstrom syndrome. Last evaluated: 2022-05-29. Review status: criteria provided, single submitter. Criteria: Invitae Variant Classification Sherloc (09022015). Collection method: clinical testing. Allele origin: germline.
Comment: In summary, the available evidence is currently insufficient to determine the role of this variant in disease. Therefore, it has been classified as a Variant of Uncertain Significance. Experimental studies and prediction algorithms are not available or were not evaluated, and the functional significance of this variant is currently unknown. ClinVar contains an entry for this variant (Variation ID: 1412963). This variant has not been reported in the literature in individuals affected with ALMS1-related conditions. This variant is present in population databases (rs201162418, gnomAD 0.007%). This sequence change replaces tyrosine, which is neutral and polar, with serine, which is neutral and polar, at codon 2049 of the ALMS1 protein (p.Tyr2049Ser).